The following is an entry in ClinVar:

ClinVar aggregate classification (germline): Conflicting classifications of pathogenicity. Review status: criteria provided, conflicting classifications (1 of 4 stars). 15 submissions from 15 submitters: Uncertain significance (1); Likely benign (11). 3 of the submissions do not count toward it. Last evaluated 2025-12-13.

Conditions:
Hereditary cancer-predisposing syndrome. Also called: Neoplastic Syndromes, Hereditary; Tumor predisposition; Hereditary Cancer Syndrome; Hereditary neoplastic syndrome. Identifiers: Orphanet 140162, MedGen C0027672, MeSH D009386, MONDO:0015356.
Hereditary breast ovarian cancer syndrome. Also called: Hereditary breast and ovarian cancer; Breast and ovarian cancer; Hereditary breast and/or ovarian cancer syndrome; Hereditary breast and ovarian cancer syndrome (HBOC); Hereditary breast and ovarian cancer syndrome; BRCA1- and BRCA2-Associated Hereditary Breast and Ovarian Cancer. Identifiers: Orphanet 145, MedGen C0677776, MeSH D061325, MONDO:0003582. Disease mechanism: loss of function.
Breast-ovarian cancer, familial, susceptibility to, 1 (BROVCA1). Also called: OVARIAN CANCER, SUSCEPTIBILITY TO; BRCA1 Hereditary Breast and Ovarian Cancer. Identifiers: Orphanet 145, MedGen C2676676, MONDO:0011450, OMIM 604370. Disease mechanism: loss of function.

Allele frequency attached by ClinVar (database versions not stated): gnomAD exomes below 0.00001; ExAC 0.00001; gnomAD 0.00001; TOPMed 0.00002.

Submissions (15):

Labcorp Genetics (formerly Invitae), Labcorp
Classification: Likely benign for Hereditary breast ovarian cancer syndrome. Last evaluated: 2025-12-13. Review status: criteria provided, single submitter. Criteria: Invitae Variant Classification Sherloc (09022015). Collection method: clinical testing. Allele origin: germline.

Mayo Clinic Laboratories, Mayo Clinic
Classification: Likely benign. Last evaluated: 2025-07-24. Review status: criteria provided, single submitter. Criteria: ACMG Guidelines, 2015. Collection method: clinical testing. Allele origin: germline. Observed: 2 variant alleles.
Comment: BP1_strong

Women's Health and Genetics/Laboratory Corporation of America, LabCorp
Classification: Likely benign. Last evaluated: 2024-12-02. Review status: criteria provided, single submitter. Criteria: LabCorp Variant Classification Summary - May 2015. Collection method: clinical testing. Allele origin: germline.
Comment: Variant summary: BRCA1 c.3055A>G (p.Ile1019Val) results in a conservative amino acid change in the encoded protein sequence. Five of five in-silico tools predict a benign effect of the variant on protein function. The variant was absent in 251144 control chromosomes (gnomAD). The available data on variant occurrences in the general population are insufficient to allow any conclusion about variant significance. c.3055A>G has been reported in the literature in a family affected with Hereditary Breast And Ovarian Cancer Syndrome without patient or cosegregation information (Judkins_2005). This report does not provide unequivocal conclusions about association of the variant with Hereditary Breast And Ovarian Cancer Syndrome. At least one publication reports experimental evidence evaluating an impact on protein function (Lu_2015). These results showed no damaging effect of this variant. The following publications have been ascertained in the context of this evaluation (PMID: 16267036, 15235020, 26689913). ClinVar contains an entry for this variant (Variation ID: 37504). Based on the evidence outlined above, the variant was classified as likely benign.

German Consortium for Hereditary Breast and Ovarian Cancer, University Hospital Cologne
Classification: Likely benign for Hereditary breast ovarian cancer syndrome. Last evaluated: 2024-07-08. Review status: criteria provided, single submitter. Criteria: ClinGen BRCA1 V1.1.0. Collection method: curation. Allele origin: germline.
Comment: According to the ClinGen ENIGMA BRCA1 v1.1.0 criteria we chose this criterion: BP1 (strong benign): outside a (potentially) clinically important functional domain AND no splicing predicted (SpliceAI ≤0.1).

CeGaT Center for Human Genetics Tuebingen
Classification: Likely benign. Last evaluated: 2024-03-01. Review status: criteria provided, single submitter. Criteria: CeGaT Center For Human Genetics Tuebingen Variant Classification Criteria Version 2. Collection method: clinical testing. Allele origin: germline. Affected: yes. Observed: 1 variant allele.
Comment: BRCA1: PM2:Supporting, BP4, BS3:Supporting

All of Us Research Program, National Institutes of Health
Classification: Likely benign for Breast-ovarian cancer, familial, susceptibility to, 1. Last evaluated: 2023-11-20. Review status: criteria provided, single submitter. Criteria: ACMG Guidelines, 2015. Collection method: clinical testing. Allele origin: germline. Inheritance: Autosomal dominant inheritance. Observed: 11 variant alleles, 11 heterozygotes.
Comment: This study involves interpretation of variants in research participants for the purpose of population health screening. Participant phenotype was not available at the time of variant classification. Additional details can be found in publication PMID: 35346344, PMCID: PMC8962531

Quest Diagnostics Nichols Institute San Juan Capistrano
Classification: Likely benign. Last evaluated: 2023-06-27. Review status: criteria provided, single submitter. Criteria: Quest Diagnostics criteria. Collection method: clinical testing. Allele origin: unknown.

University of Washington Department of Laboratory Medicine, University of Washington
Classification: Likely benign for Hereditary cancer-predisposing syndrome. Last evaluated: 2023-03-23. Review status: criteria provided, single submitter. Criteria: Dines et al. (Genet Med. 2020). Collection method: curation. Allele origin: germline.
Comment: Missense variant in a coldspot region where missense variants are very unlikely to be pathogenic (PMID:31911673).

BRCA1 coldspot (exon 11 using historical exon numbering). Reclassification based on statistical prior probability

Sema4
Classification: Uncertain significance for Hereditary cancer-predisposing syndrome. Last evaluated: 2021-07-13. Review status: criteria provided, single submitter. Criteria: Sema4 Curation Guidelines. Collection method: curation. Allele origin: germline.
Comment: The BRCA1 c.3055A>G (p.I1019V) variant has been reported in individuals with breast cancer (PMID: 26689913, 15235020, 16267036). It was not observed in the large and broad cohorts of the Genome Aggregation Database (PMID: 32461654). The variant has been reported in ClinVar (Variation ID 37504). In silico tools suggest the impact of the variant on protein function is inconclusive. In a functional study, the variant showed similar activity to the wild type (PMID: 26689913). The evidence is insufficient to meet ACMG/AMP criteria for classifying the variant as benign or pathogenic. Thus, the clinical significance of this variant is currently uncertain.

GeneDx
Classification: Likely benign. Last evaluated: 2020-08-24. Review status: criteria provided, single submitter. Criteria: GeneDx Variant Classification Process June 2021. Collection method: clinical testing. Allele origin: germline. Affected: yes.
Comment: This variant is associated with the following publications: (PMID: 15385441, 22722201, 17724471, 15235020, 16267036, 26689913)

Ambry Genetics
Classification: Likely benign for Hereditary cancer-predisposing syndrome. Last evaluated: 2018-12-27. Review status: criteria provided, single submitter. Criteria: Ambry Variant Classification Scheme 2023. Collection method: clinical testing. Allele origin: germline.

Color Diagnostics, LLC DBA Color Health
Classification: Likely benign for Hereditary cancer-predisposing syndrome. Last evaluated: 2015-06-01. Review status: criteria provided, single submitter. Criteria: ACMG Guidelines, 2015. Collection method: clinical testing. Allele origin: germline.

Counsyl
Classification: Uncertain significance for Breast-ovarian cancer, familial, susceptibility to, 1. Last evaluated: 2015-12-10. Review status: no assertion criteria provided. Collection method: clinical testing. Allele origin: unknown. Not counted in ClinVar's aggregate classification.

Sharing Clinical Reports Project (SCRP)
Classification: Likely benign for Breast-ovarian cancer, familial 1. Last evaluated: 2010-02-01. Review status: no assertion criteria provided. Collection method: clinical testing. Allele origin: germline. Not counted in ClinVar's aggregate classification.

Breast Cancer Information Core (BIC) (BRCA1)
Classification: Uncertain significance for Breast-ovarian cancer, familial 1. Last evaluated: 2001-10-29. Review status: no assertion criteria provided. Collection method: clinical testing. Allele origin: germline. Affected: yes. Observed: 1 variant allele. Not counted in ClinVar's aggregate classification.

Literature cited by the submitters: PubMed 16267036 (cited by 4 submitters); PubMed 15235020 (cited by 4 submitters); PubMed 26689913 (cited by 3 submitters); PubMed 25923920 (cited by Quest Diagnostics Nichols Institute San Juan Capistrano); PubMed 17724471 (cited by Quest Diagnostics Nichols Institute San Juan Capistrano); PubMed 31911673 (cited by Quest Diagnostics Nichols Institute San Juan Capistrano); PubMed 33471991 (cited by Quest Diagnostics Nichols Institute San Juan Capistrano); PubMed 31409081 (cited by Quest Diagnostics Nichols Institute San Juan Capistrano); PubMed 15385441 (cited by Counsyl).

NM_007294.4(BRCA1):c.3055A>G (p.Ile1019Val)

Gene: BRCA1 (BRCA1 DNA repair associated; minus strand). Cytogenetic location: 17q21.31.
Variant type: single nucleotide variant.
Coding change: c.3055A>G on transcript NM_007294.4 (MANE Select); coding-DNA position 3055, A replaced by G.
Protein change: p.Ile1019Val; replaces isoleucine 1019 with valine.
Molecular consequence: missense variant. On other transcripts: intron variant (137).
Genome position (GRCh38, 1-based): chr17:43,092,476, T>C on the plus strand (A>G on the coding strand, the complement: BRCA1 is on the minus strand). VCF-style: chr17-43092476-T-C. GRCh37 (hg19) VCF-style: chr17-41244493-T-C.
Other names: p.Ile1019Val; 3174A>G; c.2842A>G, p.Ile948Val (NM_001407571.1, NM_001407915.1, NM_001407916.1 and 9 more transcripts); c.3055A>G, p.Ile1019Val (NM_001407581.1, NM_001407582.1, NM_001407583.1 and 30 more transcripts); c.3052A>G, p.Ile1018Val (NM_001407587.1, NM_001407590.1, NM_001407591.1 and 22 more transcripts); c.3046A>G, p.Ile1016Val (NM_001407646.1, NM_001407647.1); c.2932A>G, p.Ile978Val (NM_001407648.1, NM_001407674.1, NM_001407675.1 and 19 more transcripts); c.2929A>G, p.Ile977Val (NM_001407649.1, NM_001407671.1, NM_001407672.1 and 11 more transcripts); and 43 more; short protein forms I1019V, I972V, I892V, I992V, I1018V, I851V, I891V, I907V.
Identifiers: ClinVar variation 37504 (VCV000037504.50), dbSNP rs80357311, ClinGen allele CA002008.